The following is an entry in ClinVar:

ClinVar aggregate classification (germline): Uncertain significance (1 of 4 stars; one submission).

Allele frequency attached by ClinVar (database versions not stated): gnomAD exomes 0.00002 and 0.00004; ExAC 0.00006; ESP Exome Variant Server 0.00008; gnomAD 0.00011; TOPMed 0.00015; 1000 Genomes Project 0.00020; 1000 Genomes Project 30x 0.00031.

Submission:

Labcorp Genetics (formerly Invitae), Labcorp
Classification: Uncertain significance. Last evaluated: 2025-05-05. Review status: criteria provided, single submitter. Criteria: Invitae Variant Classification Sherloc (09022015). Collection method: clinical testing. Allele origin: germline.
Comment: This sequence change replaces alanine, which is neutral and non-polar, with threonine, which is neutral and polar, at codon 176 of the NLRP1 protein (p.Ala176Thr). This variant is present in population databases (rs200333162, gnomAD 0.04%). This variant has not been reported in the literature in individuals affected with NLRP1-related conditions. ClinVar contains an entry for this variant (Variation ID: 1400090). An algorithm developed to predict the effect of missense changes on protein structure and function outputs the following: PolyPhen-2: "Benign". The threonine amino acid residue is found in multiple mammalian species, which suggests that this missense change does not adversely affect protein function. In summary, the available evidence is currently insufficient to determine the role of this variant in disease. Therefore, it has been classified as a Variant of Uncertain Significance.

NM_033004.4(NLRP1):c.526G>A (p.Ala176Thr)

Gene: NLRP1 (NLR family pyrin domain containing 1; minus strand). Cytogenetic location: 17p13.2.
Variant type: single nucleotide variant.
Coding change: c.526G>A on transcript NM_033004.4 (MANE Select); coding-DNA position 526, G replaced by A.
Protein change: p.Ala176Thr; replaces alanine 176 with threonine.
Molecular consequence: missense variant.
Genome position (GRCh38, 1-based): chr17:5,581,985, C>T on the plus strand (G>A on the coding strand, the complement: NLRP1 is on the minus strand). VCF-style: chr17-5581985-C-T. GRCh37 (hg19) VCF-style: chr17-5485305-C-T.
Other names: c.526G>A, p.Ala176Thr (NM_001033053.3, NM_014922.5, NM_033006.4 and 1 more transcripts); short protein forms A176T.
Identifiers: ClinVar variation 1400090 (VCV001400090.6), dbSNP rs200333162, ClinGen allele CA8327558.